The following is an entry in ClinVar:

NM_000019.4(ACAT1):c.1076T>C (p.Val359Ala)

Gene: ACAT1 (acetyl-CoA acetyltransferase 1; plus strand). Cytogenetic location: 11q22.3.
Variant type: single nucleotide variant.
Coding change: c.1076T>C on transcript NM_000019.4 (MANE Select); coding-DNA position 1076, T replaced by C.
Protein change: p.Val359Ala; replaces valine 359 with alanine.
Molecular consequence: missense variant. On other transcripts: non-coding transcript variant (2).
Genome position (GRCh38, 1-based): chr11:108,146,272, T>C. VCF-style: chr11-108146272-T-C. GRCh37 (hg19) VCF-style: chr11-108016999-T-C.
Other names: c.1076T>C, p.Val359Ala (NM_001386677.1); c.761T>C, p.Val254Ala (NM_001386678.1); c.779T>C, p.Val260Ala (NM_001386679.1); c.806T>C, p.Val269Ala (NM_001386681.1, NM_001386682.1, NM_001386685.1 and 6 more transcripts); short protein forms V254A, V260A, V269A, V359A.
Identifiers: ClinVar variation 4882700 (VCV004882700.2).

ClinVar aggregate classification (germline): Uncertain significance (1 of 4 stars; one submission).

Conditions:
Deficiency of acetyl-CoA acetyltransferase. Also called: 3-KETOTHIOLASE DEFICIENCY; 3-OXOTHIOLASE DEFICIENCY; MITOCHONDRIAL ACETOACETYL-CoA THIOLASE DEFICIENCY; Beta-ketothiolase deficiency. Identifiers: Orphanet 134, MedGen C1536500, MONDO:0008760, OMIM 203750. Disease mechanism: loss of function.

gnomAD v4.1: 1 of 1,613,782 alleles (0.000062%); no homozygotes.

Submission:

Dasa
Classification: Uncertain significance for beta-ketothiolase deficiency. Last evaluated: 2025-10-18. Review status: criteria provided, single submitter. Criteria: DASA Assertion Criteria. Collection method: clinical testing. Allele origin: germline.
Comment: NM_000019.4(ACAT1):c.1076T>C (p.Val359Ala) is a missense variant that results in the substitution of valine with alanine. This variant is rare in population databases. Computational prediction algorithms are consistent with a deleterious effect. The currently available literature and clinical evidence are not sufficient to establish a definitive association between this variant and the reported condition. Therefore, this variant is classified as a variant of uncertain significance.